The following is an entry in ClinVar:

NM_006019.4(TCIRG1):c.734C>A (p.Pro245Gln)

Gene: TCIRG1 (T cell immune regulator 1, ATPase H+ transporting V0 subunit a3; plus strand). Cytogenetic location: 11q13.2.
Variant type: single nucleotide variant.
Coding change: c.734C>A on transcript NM_006019.4 (MANE Select); coding-DNA position 734, C replaced by A.
Protein change: p.Pro245Gln; replaces proline 245 with glutamine.
Molecular consequence: missense variant. On other transcripts: 5 prime UTR variant (1).
Genome position (GRCh38, 1-based): chr11:68,043,834, C>A. VCF-style: chr11-68043834-C-A. GRCh37 (hg19) VCF-style: chr11-67811301-C-A.
Other names: c.-161C>A (NM_001351059.2); c.86C>A, p.Pro29Gln (NM_006053.4); short protein forms P245Q, P29Q.
Identifiers: ClinVar variation 2151160 (VCV002151160.3), dbSNP rs550724647, ClinGen allele CA6146804.
Genomic context (GRCh38, chr11:68,043,834, plus strand): 5'-GTGTCCTTCTGGCCCCTCACGCAGCGCATCCTCCCTCCAGCTTCCACTGCCACGTCTTCC[C>A]GTTTCTGCAGCAGGAGGAGGCCCGCCTCGGGGCCCTGCAGCAGCTGCAACAGCAGAGCCA-3'
Protein context (NP_006010.2, residues 235-255): ITDCFHCHVF[Pro245Gln]FLQQEEARLG

ClinVar aggregate classification (germline): Uncertain significance. Review status: criteria provided, multiple submitters, no conflicts (2 of 4 stars). 2 submissions from 2 submitters: Uncertain significance (2). Last evaluated 2025-03-25.

Allele frequency attached by ClinVar (database versions not stated): 1000 Genomes Project 30x 0.00016; 1000 Genomes Project 0.00020.
gnomAD v4.1: 27 of 1,563,146 alleles (0.0017%); highest among the groups gnomAD compares: South Asian, 0.031%; no homozygotes.

Submissions (2):

Labcorp Genetics (formerly Invitae), Labcorp
Classification: Uncertain significance. Last evaluated: 2025-03-25. Review status: criteria provided, single submitter. Criteria: Invitae Variant Classification Sherloc (09022015). Collection method: clinical testing. Allele origin: germline.
Comment: This sequence change replaces proline, which is neutral and non-polar, with glutamine, which is neutral and polar, at codon 245 of the TCIRG1 protein (p.Pro245Gln). This variant is present in population databases (rs550724647, gnomAD 0.04%). This variant has not been reported in the literature in individuals affected with TCIRG1-related conditions. ClinVar contains an entry for this variant (Variation ID: 2151160). Invitae Evidence Modeling of protein sequence and biophysical properties (such as structural, functional, and spatial information, amino acid conservation, physicochemical variation, residue mobility, and thermodynamic stability) indicates that this missense variant is not expected to disrupt TCIRG1 protein function with a negative predictive value of 80%. Algorithms developed to predict the effect of sequence changes on RNA splicing suggest that this variant may create or strengthen a splice site. In summary, the available evidence is currently insufficient to determine the role of this variant in disease. Therefore, it has been classified as a Variant of Uncertain Significance.

Blueprint Genetics
Classification: Uncertain significance. Last evaluated: 2018-07-09. Review status: criteria provided, single submitter. Criteria: ACMG Guidelines, 2015. Collection method: clinical testing. Allele origin: germline.